The following is an entry in ClinVar:

NM_007294.4(BRCA1):c.-125C>T

Genes: BRCA1 (BRCA1 DNA repair associated; minus strand), LOC111589215 (BRCA1 promoter region; plus strand). Cytogenetic location: 17q21.31.
Variant type: single nucleotide variant.
Coding change: c.-125C>T on transcript NM_007294.4 (MANE Select); 125 bases upstream of the start codon, C replaced by T.
Molecular consequence: genic upstream transcript variant. On other transcripts: intron variant (1).
Genome position (GRCh38, 1-based): chr17:43,125,376, G>A on the plus strand (C>T on the coding strand, the complement: BRCA1 is on the minus strand). VCF-style: chr17-43125376-G-A. GRCh37 (hg19) VCF-style: chr17-41277393-G-A.
Other names: c.-61-9597C>T (NM_001408458.1).
Identifiers: ClinVar variation 434525 (VCV000434525.17), dbSNP rs148196794, ClinGen allele CA290828330.
Genomic context (GRCh38, chr17:43,125,376, plus strand): 5'-AGTTATCTGAGAAACCCCACAGCCTGTCCCCCGTCCAGGAAGTCTCAGCGAGCTCACGCC[G>A]CGCAGTCGCAGTTTTAATTTATCTGTAATTCCCGCGCTTTTCCGTTGCCACGGAAACCAA-3'

ClinVar aggregate classification (germline): Conflicting classifications of pathogenicity. Review status: criteria provided, conflicting classifications (1 of 4 stars). 5 submissions from 5 submitters: Uncertain significance (3); Benign (2). Last evaluated 2025-07-28.

Conditions:
Hereditary breast ovarian cancer syndrome. Also called: Hereditary breast and ovarian cancer syndrome (HBOC); BRCA1- and BRCA2-Associated Hereditary Breast and Ovarian Cancer; Hereditary breast and/or ovarian cancer syndrome; Hereditary breast and ovarian cancer syndrome; Hereditary breast and ovarian cancer; Breast and ovarian cancer. Identifiers: Orphanet 145, MedGen C0677776, MeSH D061325, MONDO:0003582. Disease mechanism: loss of function.
Hereditary cancer-predisposing syndrome. Also called: Neoplastic Syndromes, Hereditary; Hereditary neoplastic syndrome; Tumor predisposition; Hereditary Cancer Syndrome. Identifiers: Orphanet 140162, MedGen C0027672, MeSH D009386, MONDO:0015356.
Breast-ovarian cancer, familial, susceptibility to, 1 (BROVCA1). Also called: BRCA1 Hereditary Breast and Ovarian Cancer; OVARIAN CANCER, SUSCEPTIBILITY TO. Identifiers: Orphanet 145, MedGen C2676676, MONDO:0011450, OMIM 604370. Disease mechanism: loss of function.

Allele frequency attached by ClinVar (database versions not stated): gnomAD 0.00017 and 0.00029; TOPMed 0.00024; 1000 Genomes Project 0.00080; 1000 Genomes Project 30x 0.00187.
gnomAD v4.1: 93 of 411,402 alleles (0.023%); highest among the groups gnomAD compares: East Asian, 0.66%; no homozygotes.

Submissions (5):

Labcorp Genetics (formerly Invitae), Labcorp
Classification: Benign for Hereditary breast ovarian cancer syndrome. Last evaluated: 2025-07-28. Review status: criteria provided, single submitter. Criteria: Invitae Variant Classification Sherloc (09022015). Collection method: clinical testing. Allele origin: germline.

Baylor Genetics
Classification: Benign for Breast-ovarian cancer, familial, susceptibility to, 1. Last evaluated: 2022-09-12. Review status: criteria provided, single submitter. Criteria: ACMG Guidelines, 2015. Collection method: clinical testing. Allele origin: unknown.

Sema4
Classification: Uncertain significance for Hereditary cancer-predisposing syndrome. Last evaluated: 2021-10-15. Review status: criteria provided, single submitter. Criteria: Sema4 Curation Guidelines. Collection method: curation. Allele origin: germline.
Comment: The BRCA1 c.-125C>T variant has been reported in heterozygosity in at least one individual with pancreatic cancer (PMID: 33612442). This variant has also been identified in at least one individual undergoing BRCA1/2 testing for breast and ovarian cancer predisposition (PMID: 29236234). Functional studies have shown that this variant results in reduced promoter activity (PMID: 29236234). This variant was observed in 8/31398 chromosomes in the East Asian population according to the Genome Aggregation Database (PMID: 32461654). This variant has been reported in ClinVar (Variation ID: 434525). The evidence is insufficient to meet ACMG/AMP criteria for classifying the variant as benign or pathogenic. Thus, the clinical significance of this variant is currently uncertain.

Illumina Laboratory Services, Illumina
Classification: Uncertain significance for Breast-ovarian cancer, familial, susceptibility to, 1. Last evaluated: 2018-05-09. Review status: criteria provided, single submitter. Criteria: ICSL Variant Classification Criteria 13 December 2019. Collection method: clinical testing. Allele origin: germline.

Genetic Services Laboratory, University of Chicago
Classification: Uncertain significance. Last evaluated: 2017-04-12. Review status: criteria provided, single submitter. Criteria: ACMG Guidelines, 2015. Collection method: clinical testing. Allele origin: germline. Affected: no.

Literature cited by the submitters: PubMed 33612442 (cited by Sema4); PubMed 29236234 (cited by Sema4).